The following is an entry in ClinVar:

NM_005732.4(RAD50):c.2498_2499del (p.Gln833fs)

Gene: RAD50 (RAD50 double strand break repair protein; plus strand). Cytogenetic location: 5q31.1.
Variant type: Deletion.
Coding change: c.2498_2499del on transcript NM_005732.4 (MANE Select); coding-DNA positions 2498 to 2499, 2 bases deleted (AA; older notation c.2498_2499delAA).
Protein change: p.Gln833fs; shifts the reading frame from glutamine 833.
Molecular consequence: frameshift variant.
Genome position (GRCh38, 1-based): chr5:132,604,020-132,604,021, AA deleted. VCF-style (leftmost placement, unchanged base first): chr5-132604019-CAA-C. GRCh37 (hg19) VCF-style: chr5-131939711-CAA-C.
Other names: c.2498_2499del (NM_005732.3); short protein forms Q833fs.
Identifiers: ClinVar variation 143015 (VCV000143015.18), dbSNP rs587782895, ClinGen allele CA170031.

ClinVar aggregate classification (germline): Pathogenic/Likely pathogenic. Review status: criteria provided, multiple submitters, no conflicts (2 of 4 stars). 5 submissions from 5 submitters: Pathogenic (3); Likely pathogenic (1). 1 of the submissions does not count toward it. Last evaluated 2025-06-01.

Conditions:
Hereditary cancer-predisposing syndrome. Also called: Hereditary Cancer Syndrome; Neoplastic Syndromes, Hereditary; Hereditary neoplastic syndrome; Tumor predisposition. Identifiers: Orphanet 140162, MedGen C0027672, MeSH D009386, MONDO:0015356.
Nijmegen breakage syndrome-like disorder (NBSLD). Also called: MICROCEPHALY AND SPONTANEOUS CHROMOSOME INSTABILITY WITHOUT IMMUNODEFICIENCY; NBS-LIKE DISORDER; RAD50 DEFICIENCY. Identifiers: Orphanet 240760, MedGen C2751318, MONDO:0013118, OMIM 613078.

Allele frequency attached by ClinVar (database versions not stated): gnomAD exomes 0.00001 and 0.00004; TOPMed 0.00004; gnomAD 0.00005 and 0.00006; ExAC 0.00006.

Submissions (5):

Labcorp Genetics (formerly Invitae), Labcorp
Classification: Pathogenic for Hereditary cancer-predisposing syndrome. Last evaluated: 2025-06-01. Review status: criteria provided, single submitter. Criteria: Invitae Variant Classification Sherloc (09022015). Collection method: clinical testing. Allele origin: germline.
Comment: This sequence change creates a premature translational stop signal (p.Gln833Argfs*11) in the RAD50 gene. It is expected to result in an absent or disrupted protein product. Loss-of-function variants in RAD50 are known to be pathogenic (PMID: 19409520). This variant is present in population databases (rs587782895, gnomAD 0.02%). This premature translational stop signal has been observed in individual(s) with breast cancer (PMID: 26824983). ClinVar contains an entry for this variant (Variation ID: 143015). For these reasons, this variant has been classified as Pathogenic.

GeneDx
Classification: Likely pathogenic. Last evaluated: 2025-05-30. Review status: criteria provided, single submitter. Criteria: GeneDx Variant Classification Process June 2021. Collection method: clinical testing. Allele origin: germline. Affected: yes.
Comment: Frameshift variant predicted to result in protein truncation or nonsense mediated decay in a gene for which loss of function is a known mechanism of disease; Not observed at significant frequency in large population cohorts (gnomAD); This variant is associated with the following publications: (PMID: 26824983, 35150601, 28888541, 39541563)

Ambry Genetics
Classification: Pathogenic for Hereditary cancer-predisposing syndrome. Last evaluated: 2024-09-16. Review status: criteria provided, single submitter. Criteria: Ambry Variant Classification Scheme 2023. Collection method: clinical testing. Allele origin: germline.
Comment: The c.2498_2499delAA pathogenic mutation, located in coding exon 15 of the RAD50 gene, results from a deletion of two nucleotides at nucleotide positions 2498 to 2499, causing a translational frameshift with a predicted alternate stop codon (p.Q833Rfs*11). In addition to the clinical data presented in the literature, this alteration is expected to result in loss of function by premature protein truncation or nonsense-mediated mRNA decay. As such, this alteration is interpreted as a disease-causing mutation.

Baylor Genetics
Classification: Pathogenic for Nijmegen breakage syndrome-like disorder. Last evaluated: 2022-12-27. Review status: criteria provided, single submitter. Criteria: ACMG Guidelines, 2015. Collection method: clinical testing. Allele origin: unknown.

Counsyl
Classification: Pathogenic for Nijmegen breakage syndrome-like disorder. Last evaluated: 2018-01-15. Review status: no assertion criteria provided. Collection method: clinical testing. Allele origin: unknown. Not counted in ClinVar's aggregate classification.

Literature cited by the submitters: PubMed 19409520 (cited by Labcorp Genetics (formerly Invitae), Labcorp); PubMed 26824983 (cited by Labcorp Genetics (formerly Invitae), Labcorp and Counsyl).